The following is an entry in ClinVar:

NM_004655.4(AXIN2):c.340T>C (p.Cys114Arg)

Gene: AXIN2 (axin 2; minus strand). Cytogenetic location: 17q24.1.
Variant type: single nucleotide variant.
Coding change: c.340T>C on transcript NM_004655.4 (MANE Select); coding-DNA position 340, T replaced by C.
Protein change: p.Cys114Arg; replaces cysteine 114 with arginine.
Molecular consequence: missense variant.
Genome position (GRCh38, 1-based): chr17:65,558,281, A>G on the plus strand (T>C on the coding strand, the complement: AXIN2 is on the minus strand). VCF-style: chr17-65558281-A-G. GRCh37 (hg19) VCF-style: chr17-63554399-A-G.
Other names: c.340T>C, p.Cys114Arg (NM_001363813.1); short protein forms C114R.
Identifiers: ClinVar variation 4188465 (VCV004188465.1).

ClinVar aggregate classification (germline): Uncertain significance (1 of 4 stars; one submission).

Conditions:
Hereditary cancer-predisposing syndrome. Also called: Neoplastic Syndromes, Hereditary; Tumor predisposition; Hereditary Cancer Syndrome; Hereditary neoplastic syndrome. Identifiers: Orphanet 140162, MedGen C0027672, MeSH D009386, MONDO:0015356.

Submission:

Ambry Genetics
Classification: Uncertain significance for Hereditary cancer-predisposing syndrome. Last evaluated: 2025-08-23. Review status: criteria provided, single submitter. Criteria: Ambry Variant Classification Scheme 2023. Collection method: clinical testing. Allele origin: germline.
Comment: The p.C114R variant (also known as c.340T>C), located in coding exon 1 of the AXIN2 gene, results from a T to C substitution at nucleotide position 340. The cysteine at codon 114 is replaced by arginine, an amino acid with highly dissimilar properties. This amino acid position is conserved. In addition, this alteration is predicted to be deleterious by in silico analysis. Based on the available evidence, the clinical significance of this variant remains unclear.